The following is an entry in ClinVar:

ClinVar aggregate classification (germline): Benign/Likely benign. Review status: criteria provided, multiple submitters, no conflicts (2 of 4 stars). 3 submissions from 3 submitters: Benign (1); Likely benign (2). Last evaluated 2025-07-01.

Conditions:
Inborn genetic diseases. Identifiers: MedGen C0950123, MeSH D030342.

Allele frequency attached by ClinVar (database versions not stated): gnomAD 0.00001; gnomAD exomes 0.00002; TOPMed 0.00005; ExAC 0.00007.
gnomAD v4.1: 20 of 1,188,083 alleles (0.0017%); highest among the groups gnomAD compares: Admixed American, 0.026%; no homozygotes.

Submissions (3):

Women's Health and Genetics/Laboratory Corporation of America, LabCorp
Classification: Likely benign. Last evaluated: 2025-07-01. Review status: criteria provided, single submitter. Criteria: LabCorp Variant Classification Summary - May 2015. Collection method: clinical testing. Allele origin: germline.
Comment: Variant summary: SMS c.301A>G (p.Ser101Gly) results in a non-conservative amino acid change in the encoded protein sequence. Algorithms developed to predict the effect of missense changes on protein structure and function are either unavailable or do not agree on the potential impact of this missense change. The variant allele was found at a frequency of 6e-05 in 182751 control chromosomes including 5 hemizygotes. To our knowledge, no occurrence of c.301A>G in individuals affected with Syndromic X-Linked Intellectual Disability Snyder Type and no experimental evidence demonstrating its impact on protein function have been reported. ClinVar contains an entry for this variant (Variation ID: 3166713). Based on the evidence outlined above, the variant was classified as likely benign.

Labcorp Genetics (formerly Invitae), Labcorp
Classification: Benign. Last evaluated: 2025-06-18. Review status: criteria provided, single submitter. Criteria: Invitae Variant Classification Sherloc (09022015). Collection method: clinical testing. Allele origin: germline.

Ambry Genetics
Classification: Likely benign for Inborn genetic diseases. Last evaluated: 2024-02-26. Review status: criteria provided, single submitter. Criteria: Ambry Variant Classification Scheme 2023. Collection method: clinical testing. Allele origin: germline.

NM_004595.5(SMS):c.301A>G (p.Ser101Gly)

Gene: SMS (spermine synthase; plus strand). Cytogenetic location: Xp22.11.
Variant type: single nucleotide variant.
Coding change: c.301A>G on transcript NM_004595.5 (MANE Select); coding-DNA position 301, A replaced by G.
Protein change: p.Ser101Gly; replaces serine 101 with glycine.
Molecular consequence: missense variant. On other transcripts: intron variant (1).
Genome position (GRCh38, 1-based): chrX:21,972,543, A>G. VCF-style: chrX-21972543-A-G. GRCh37 (hg19) VCF-style: chrX-21990661-A-G.
Other names: c.171-4518A>G (NM_001258423.2); short protein forms S101G.
Identifiers: ClinVar variation 3166713 (VCV003166713.4), dbSNP rs774131287, ClinGen allele CA10367765.
Genomic context (GRCh38, chrX:21,972,543, plus strand): 5'-CATTGATTTTTCTTTTAATTGTAGATTTTGAACAAAGTAGAGGAAAGAATGAAAGAATTG[A>G]GTCAGGACAGTACTGGGCGGGTGAAACGGTAAGTCCACTCTTGAATGTCCTTTTATATTT-3'
Protein context (NP_004586.2, residues 91-111): NKVEERMKEL[Ser101Gly]QDSTGRVKRL